The following is an entry in ClinVar:

NM_000051.4(ATM):c.8845G>A (p.Val2949Ile)

Genes: ATM (ATM serine/threonine kinase; plus strand), C11orf65 (chromosome 11 open reading frame 65; minus strand). Cytogenetic location: 11q22.3.
Variant type: single nucleotide variant.
Coding change: c.8845G>A on transcript NM_000051.4 (MANE Select); coding-DNA position 8845, G replaced by A.
Protein change: p.Val2949Ile; replaces valine 2949 with isoleucine.
Molecular consequence: missense variant. On other transcripts: intron variant (2).
Genome position (GRCh38, 1-based): chr11:108,354,869, G>A. VCF-style: chr11-108354869-G-A. GRCh37 (hg19) VCF-style: chr11-108225596-G-A.
Other names: c.8845G>A, p.Val2949Ile (NM_001351834.2); c.640+31051C>T (NM_001330368.2); c.695-19577C>T (NM_001351110.2); short protein forms V2949I.
Identifiers: ClinVar variation 142487 (VCV000142487.30), dbSNP rs587782497, ClinGen allele CA168491.

ClinVar aggregate classification (germline): Uncertain significance. Review status: criteria provided, multiple submitters, no conflicts (2 of 4 stars). 7 submissions from 7 submitters: Uncertain significance (6). 1 of the submissions does not count toward it. Last evaluated 2025-12-17.

Conditions:
Breast and/or ovarian cancer. Identifiers: MedGen CN221562.
Hereditary cancer-predisposing syndrome. Also called: Neoplastic Syndromes, Hereditary; Hereditary Cancer Syndrome; Tumor predisposition; Hereditary neoplastic syndrome. Identifiers: Orphanet 140162, MedGen C0027672, MeSH D009386, MONDO:0015356.
Ataxia-telangiectasia syndrome (AT). Also called: Ataxia-telangiectasia, complementation group D; AT, COMPLEMENTATION GROUP C; Ataxia-telangiectasia; ATAXIA-TELANGIECTASIA, COMPLEMENTATION GROUP A; ATAXIA-TELANGIECTASIA, FRESNO VARIANT; Ataxia-telangiectasia, complementation group E. Identifiers: Orphanet 100, MedGen C0004135, MONDO:0008840, OMIM 208900.

Allele frequency attached by ClinVar (database versions not stated): gnomAD exomes 0.00001.
gnomAD v4.1: 13 of 1,612,364 alleles (0.00081%); highest among the groups gnomAD compares: African/African-American, 0.0013%; no homozygotes.

Submissions (7):

Labcorp Genetics (formerly Invitae), Labcorp
Classification: Uncertain significance for Ataxia-telangiectasia syndrome. Last evaluated: 2025-12-17. Review status: criteria provided, single submitter. Criteria: Invitae Variant Classification Sherloc (09022015). Collection method: clinical testing. Allele origin: germline.
Comment: This sequence change replaces valine, which is neutral and non-polar, with isoleucine, which is neutral and non-polar, at codon 2949 of the ATM protein (p.Val2949Ile). This variant is not present in population databases (gnomAD no frequency). This missense change has been observed in individual(s) with prostate cancer (PMID: 33436325). ClinVar contains an entry for this variant (Variation ID: 142487). Invitae Evidence Modeling of protein sequence and biophysical properties (such as structural, functional, and spatial information, amino acid conservation, physicochemical variation, residue mobility, and thermodynamic stability) has been performed for this missense variant. However, the output from this modeling did not meet the statistical confidence thresholds required to predict the impact of this variant on ATM protein function. In summary, the available evidence is currently insufficient to determine the role of this variant in disease. Therefore, it has been classified as a Variant of Uncertain Significance.

Molecular Pathology, Peter Maccallum Cancer Centre
Classification: Uncertain significance for Ataxia-telangiectasia syndrome. Last evaluated: 2025-03-31. Review status: criteria provided, single submitter. Criteria: ACMG Guidelines, 2015. Collection method: clinical testing. Allele origin: germline. Inheritance: Autosomal recessive inheritance.

Color Diagnostics, LLC DBA Color Health
Classification: Uncertain significance for Hereditary cancer-predisposing syndrome. Last evaluated: 2025-03-11. Review status: criteria provided, single submitter. Criteria: ACMG Guidelines, 2015. Collection method: clinical testing. Allele origin: germline.
Comment: This missense variant replaces valine with isoleucine at codon 2949 of the ATM protein. Computational prediction suggests that this variant may not impact protein structure and function. To our knowledge, functional studies have not been reported for this variant. This variant has been reported in individuals affected with prostate cancer (PMID: 33436325) and lung cancer (PMID: 35273153) in the literature. This variant has not been identified in the general population by the Genome Aggregation Database (gnomAD). The available evidence is insufficient to determine the role of this variant in disease conclusively. Therefore, this variant is classified as a Variant of Uncertain Significance.

Ambry Genetics
Classification: Uncertain significance for Hereditary cancer-predisposing syndrome. Last evaluated: 2025-02-20. Review status: criteria provided, single submitter. Criteria: Ambry Variant Classification Scheme 2023. Collection method: clinical testing. Allele origin: germline.
Comment: The p.V2949I variant (also known as c.8845G>A), located in coding exon 60 of the ATM gene, results from a G to A substitution at nucleotide position 8845. The valine at codon 2949 is replaced by isoleucine, an amino acid with highly similar properties. This amino acid position is highly conserved in available vertebrate species. In addition, the in silico prediction for this alteration is inconclusive. Based on the available evidence, the clinical significance of this variant remains unclear.

CHEO Genetics Diagnostic Laboratory, Children's Hospital of Eastern Ontario
Classification: Uncertain significance for Breast and/or ovarian cancer. Last evaluated: 2023-05-17. Review status: criteria provided, single submitter. Criteria: ACMG Guidelines, 2015. Collection method: clinical testing. Allele origin: germline.

GeneDx
Classification: Uncertain significance. Last evaluated: 2018-02-05. Review status: criteria provided, single submitter. Criteria: GeneDx Variant Classification (06012015). Collection method: clinical testing. Allele origin: germline. Affected: yes.
Comment: This variant is denoted ATM c.8845G>A at the cDNA level, p.Val2949Ile (V2949I) at the protein level, and results in the change of a Valine to an Isoleucine (GTA>ATA). This variant was reported in an individual with splenic marginal zone lymphoma, although germline versus somatic status is unclear (Parry 2015). ATM Val2949Ile was not observed in large population cohorts (Lek 2016). This variant is located in the kinase domain (Stracker 2013). In silico analysis, which includes protein predictors and evolutionary conservation, supports that this variant does not alter protein structure/function. Based on currently available evidence, it is unclear whether ATM Val2949Ile is a pathogenic or benign variant. We consider it to be a variant of uncertain significance.

Natera, Inc.
Classification: Uncertain significance for Ataxia-telangiectasia. Last evaluated: 2021-02-04. Review status: no assertion criteria provided. Collection method: clinical testing. Allele origin: germline. Not counted in ClinVar's aggregate classification.

Literature cited by the submitters: PubMed 33436325 (cited by Labcorp Genetics (formerly Invitae), Labcorp and Color Diagnostics, LLC DBA Color Health); PubMed 35273153 (cited by Color Diagnostics, LLC DBA Color Health).